The following is an entry in ClinVar:

ClinVar aggregate classification (germline): Uncertain significance (1 of 4 stars; one submission).

Conditions:
Bloom syndrome (BLM). Also called: Bloom-Torre-Machacek syndrome. Identifiers: Orphanet 125, MedGen C0005859, MONDO:0008876, OMIM 210900.

Submission:

Labcorp Genetics (formerly Invitae), Labcorp
Classification: Uncertain significance for Bloom syndrome. Last evaluated: 2022-03-23. Review status: criteria provided, single submitter. Criteria: Invitae Variant Classification Sherloc (09022015). Collection method: clinical testing. Allele origin: germline.
Comment: This sequence change replaces alanine, which is neutral and non-polar, with serine, which is neutral and polar, at codon 678 of the BLM protein (p.Ala678Ser). This variant is not present in population databases (gnomAD no frequency). This variant has not been reported in the literature in individuals affected with BLM-related conditions. Algorithms developed to predict the effect of missense changes on protein structure and function are either unavailable or do not agree on the potential impact of this missense change (SIFT: "Tolerated"; PolyPhen-2: "Probably Damaging"; Align-GVGD: "Class C0"). In summary, the available evidence is currently insufficient to determine the role of this variant in disease. Therefore, it has been classified as a Variant of Uncertain Significance.

NM_000057.4(BLM):c.2032G>T (p.Ala678Ser)

Gene: BLM (BLM RecQ like helicase; plus strand). Cytogenetic location: 15q26.1.
Variant type: single nucleotide variant.
Coding change: c.2032G>T on transcript NM_000057.4 (MANE Select); coding-DNA position 2032, G replaced by T.
Protein change: p.Ala678Ser; replaces alanine 678 with serine.
Molecular consequence: missense variant.
Genome position (GRCh38, 1-based): chr15:90,763,115, G>T. VCF-style: chr15-90763115-G-T. GRCh37 (hg19) VCF-style: chr15-91306345-G-T.
Other names: c.2032G>T, p.Ala678Ser (NM_001287246.2, NM_001287247.2); c.907G>T, p.Ala303Ser (NM_001287248.2); short protein forms A303S, A678S.
Identifiers: ClinVar variation 2115931 (VCV002115931.4), dbSNP rs1896030998, ClinGen allele CA393844403.
Genomic context (GRCh38, chr15:90,763,115, plus strand): 5'-ATTTTTCATAAAAAATTTGGCCTGCATAATTTTAGAACTAATCAGCTAGAGGCGATCAAT[G>T]CTGCACTGCTTGGTGAAGACTGTTTTATCCTGATGCCGACTGGTATGTATTTTTAGAAGT-3'
Protein context (NP_000048.1, residues 668-688): FRTNQLEAIN[Ala678Ser]ALLGEDCFIL